The following is an entry in ClinVar:

NM_018368.4(LMBRD1):c.1166G>A (p.Gly389Asp)

Gene: LMBRD1 (LMBR1 domain containing 1; minus strand). Cytogenetic location: 6q13.
Variant type: single nucleotide variant.
Coding change: c.1166G>A on transcript NM_018368.4 (MANE Select); coding-DNA position 1166, G replaced by A.
Protein change: p.Gly389Asp; replaces glycine 389 with aspartic acid.
Molecular consequence: missense variant.
Genome position (GRCh38, 1-based): chr6:69,700,787, C>T on the plus strand (G>A on the coding strand, the complement: LMBRD1 is on the minus strand). VCF-style: chr6-69700787-C-T. GRCh37 (hg19) VCF-style: chr6-70410679-C-T.
Other names: c.947G>A, p.Gly316Asp (NM_001363722.2, NM_001367271.1, NM_001367272.1); short protein forms G389D, G316D.
Identifiers: ClinVar variation 1919286 (VCV001919286.2), dbSNP rs1371242775, ClinGen allele CA364664274.

ClinVar aggregate classification (germline): Uncertain significance (1 of 4 stars; one submission).

Conditions:
Methylmalonic aciduria and homocystinuria type cblF. Also called: VITAMIN B12 LYSOSOMAL RELEASE DEFECT; VITAMIN B12 STORAGE DISEASE; COBALAMIN F DISEASE; COBALAMIN, DEFECT IN LYSOSOMAL RELEASE OF; METHYLMALONIC ACIDEMIA AND HOMOCYSTINURIA, cblF TYPE; METHYLMALONIC ACIDURIA DUE TO VITAMIN B12-RELEASE DEFECT. Identifiers: Orphanet 79284, MedGen C1848578, MONDO:0010183, OMIM 277380.

Allele frequency attached by ClinVar (database versions not stated): gnomAD exomes below 0.00001; gnomAD 0.00003.

Submission:

Labcorp Genetics (formerly Invitae), Labcorp
Classification: Uncertain significance for Methylmalonic aciduria and homocystinuria type cblF. Last evaluated: 2022-02-25. Review status: criteria provided, single submitter. Criteria: Invitae Variant Classification Sherloc (09022015). Collection method: clinical testing. Allele origin: germline.
Comment: This sequence change replaces glycine, which is neutral and non-polar, with aspartic acid, which is acidic and polar, at codon 389 of the LMBRD1 protein (p.Gly389Asp). This variant is not present in population databases (gnomAD no frequency). This variant has not been reported in the literature in individuals affected with LMBRD1-related conditions. Algorithms developed to predict the effect of missense changes on protein structure and function are either unavailable or do not agree on the potential impact of this missense change (SIFT: "Deleterious"; PolyPhen-2: "Probably Damaging"; Align-GVGD: "Class C15"). In summary, the available evidence is currently insufficient to determine the role of this variant in disease. Therefore, it has been classified as a Variant of Uncertain Significance.